The following is an entry in ClinVar:

ClinVar aggregate classification (germline): Conflicting classifications of pathogenicity. Review status: criteria provided, conflicting classifications (1 of 4 stars). 2 submissions from 2 submitters: Uncertain significance (1); Likely benign (1). Last evaluated 2024-04-12.

Conditions:
Hereditary cancer-predisposing syndrome. Also called: Neoplastic Syndromes, Hereditary; Hereditary neoplastic syndrome; Tumor predisposition; Hereditary Cancer Syndrome. Identifiers: Orphanet 140162, MedGen C0027672, MeSH D009386, MONDO:0015356.
Breast-ovarian cancer, familial, susceptibility to, 1 (BROVCA1). Also called: BRCA1 Hereditary Breast and Ovarian Cancer; OVARIAN CANCER, SUSCEPTIBILITY TO. Identifiers: Orphanet 145, MedGen C2676676, MONDO:0011450, OMIM 604370. Disease mechanism: loss of function.

Allele frequency attached by ClinVar (database versions not stated): gnomAD 0.00001.
gnomAD v4.1: 1 of 1,613,680 alleles (0.000062%); highest among the groups gnomAD compares: Non-Finnish European, 0.000085%; no homozygotes.

Submissions (3):

Lupski Lab, Baylor-Hopkins CMG, Baylor College of Medicine
Classification: Likely benign for Breast-ovarian cancer, familial, susceptibility to, 1. Last evaluated: 2024-04-12. Review status: criteria provided, single submitter. Criteria: Dawood et al. (medRxiv. 2024). Collection method: curation. Allele origin: germline.
Comment: Each variant was annotated with functional scores from MAVE data which was translated into functional evidence codes. All other evidence codes and combining criteria were adhered to as closely as possible based on the ClinGen VCEP (Variant Curation Expert Panel) gene-specific recommendations. See Supplemental Figure 34 of final paper (Supp Fig. 28 in preprint: doi:10.1101/2024.04.11.24305690) for a table to see which lines of evidence we did not have data for. The ClinGen VCEPs are highly regarded as the gold-standard for gene-specific variant curation and are developed after extensive evaluation of the evidence by clinical and scientific experts for the particular gene to classify genomic variants on a spectrum from pathogenic to benign using the 2015 ACMG/AMP Variant Interpretation Guidelines as a backbone (PMID: 25741868). Reclassification of these VUS variants from gnomAD or All of Us focused only on variants originally prescribed as VUS in ClinVar. To ensure reproducibility, transparency, and increased throughput, all the procedures for annotating variants and assigning evidence codes were codified using Python. All code has been made freely available and is linked in the Code Availability section and all reclassified variants with evidence codes used can be found in Tables S18-19 (preprint: doi:10.1101/2024.04.11.24305690). For the MAVE data, the clinical curation and clinical strength assignment as per the ClinGen recommendations in Brnich et al. (2020) (PMID: 31892348) for or against pathogenicity or benignity of each of these MAVE datasets utilized in this study were previously published in Fayer et al. (2021) (PMID: 34793697).In brief, for BRCA1 variants, if a variant was categorized as FUNC (functional), it was assigned BS3 evidence and no PS3 evidence, whereas if it was categorized as LOF (loss of function), the variant was assigned PS3 evidence and no BS3 evidence. Variants categorized as INT (intermediate) were left unannotated. For the BRCA1 combining criteria, greater than or equal to 1 criteria of strong benign evidence was enough to reclassify the VUS as Likely Benign. This variant GRCh38:17:43104880:T>C was assigned evidence codes ['BS3'] and an overall classification of Likely benign

Ambry Genetics
Classification: Uncertain significance for Hereditary cancer-predisposing syndrome. Last evaluated: 2016-04-15. Review status: criteria provided, single submitter. Criteria: Ambry Variant Classification Scheme 2023. Collection method: clinical testing. Allele origin: germline.
Comment: The p.T97A variant (also known as c.289A>G), located in coding exon 4 of the BRCA1 gene, results from an A to G substitution at nucleotide position 289. The threonine at codon 97 is replaced by alanine, an amino acid with similar properties. This variant was not reported in population based cohorts in the following databases: Database of Single Nucleotide Polymorphisms (dbSNP), NHLBI Exome Sequencing Project (ESP), and 1000 Genomes Project. In the ESP, this variant was not observed in 6503 samples (13006 alleles) with coverage at this position. To date, this alteration has been detected with an allele frequency of approximately 0.0004% (greater than 225000 alleles tested) in our clinical cohort. This amino acid position is highly conserved in available vertebrate species. In addition, this alteration is predicted to be deleterious by in silico analysis. Since supporting evidence is limited at this time, the clinical significance of this alteration remains unclear.

Brotman Baty Institute, University of Washington
No classification provided (evidence only). Condition: Breast-ovarian cancer, familial 1. Review status: no classification provided. Collection method: in vitro. Allele origin: not applicable. Functional consequence: functionally_normal. Not counted in ClinVar's aggregate classification.
ClinVar note: "not provided" was previously submitted as the classification for the variant. However, the classification appeared to be based only on an observation of functional data so it was converted to no classification on 2025-07-30.

Literature cited by the submitters: PubMed 39142283 (cited by Lupski Lab, Baylor-Hopkins CMG, Baylor College of Medicine); PubMed 34793697 (cited by Lupski Lab, Baylor-Hopkins CMG, Baylor College of Medicine); DOI 10.1101/2024.04.11.24305690 (cited by Lupski Lab, Baylor-Hopkins CMG, Baylor College of Medicine).

NM_007294.4(BRCA1):c.289A>G (p.Thr97Ala)

Gene: BRCA1 (BRCA1 DNA repair associated; minus strand). Cytogenetic location: 17q21.31.
Variant type: single nucleotide variant.
Coding change: c.289A>G on transcript NM_007294.4 (MANE Select); coding-DNA position 289, A replaced by G.
Protein change: p.Thr97Ala; replaces threonine 97 with alanine.
Molecular consequence: missense variant. On other transcripts: non-coding transcript variant (1).
Genome position (GRCh38, 1-based): chr17:43,104,880, T>C on the plus strand (A>G on the coding strand, the complement: BRCA1 is on the minus strand). VCF-style: chr17-43104880-T-C. GRCh37 (hg19) VCF-style: chr17-41256897-T-C.
Other names: c.148A>G, p.Thr50Ala (NM_001408464.1, NM_001408465.1, NM_001408466.1 and 99 more transcripts); c.289A>G, p.Thr97Ala (NM_001408472.1, NM_001408473.1, NM_001408494.1 and 168 more transcripts); c.211A>G, p.Thr71Ala (NM_001408474.1, NM_001408475.1, NM_001408476.1 and 21 more transcripts); c.79A>G, p.Thr27Ala (NM_001408478.1, NM_001408479.1, NM_001408480.1 and 58 more transcripts); c.-93A>G (NM_001408510.1, NM_001408512.1, NM_001407959.1 and 4 more transcripts); c.157A>G, p.Thr53Ala (NM_001408451.1); short protein forms T97A, T50A, T71A, T27A, T53A.
Identifiers: ClinVar variation 441379 (VCV000441379.9), dbSNP rs1404795980, ClinGen allele CA10601575.